The following is an entry in ClinVar:

NM_052874.5(STX1B):c.503T>C (p.Leu168Pro)

Gene: STX1B (syntaxin 1B; minus strand). Cytogenetic location: 16p11.2.
Variant type: single nucleotide variant.
Coding change: c.503T>C on transcript NM_052874.5 (MANE Select); coding-DNA position 503, T replaced by C.
Protein change: p.Leu168Pro; replaces leucine 168 with proline.
Molecular consequence: missense variant.
Genome position (GRCh38, 1-based): chr16:30,996,717, A>G on the plus strand (T>C on the coding strand, the complement: STX1B is on the minus strand). VCF-style: chr16-30996717-A-G. GRCh37 (hg19) VCF-style: chr16-31008038-A-G.
Other names: short protein forms L168P.
Identifiers: ClinVar variation 452034 (VCV000452034.8), dbSNP rs1555494226, ClinGen allele CA395648716.

ClinVar aggregate classification (germline): Uncertain significance. Review status: criteria provided, multiple submitters, no conflicts (2 of 4 stars). 2 submissions from 2 submitters: Uncertain significance (2). Last evaluated 2025-02-24.

Conditions:
Generalized epilepsy with febrile seizures plus, type 9 (GEFSP9). Also called: GEFS+, TYPE 9. Identifiers: Orphanet 36387, MedGen C4015395, MONDO:0014517, OMIM 616172.

Submissions (2):

Labcorp Genetics (formerly Invitae), Labcorp
Classification: Uncertain significance for Generalized epilepsy with febrile seizures plus, type 9. Last evaluated: 2025-02-24. Review status: criteria provided, single submitter. Criteria: Invitae Variant Classification Sherloc (09022015). Collection method: clinical testing. Allele origin: germline.
Comment: This sequence change replaces leucine, which is neutral and non-polar, with proline, which is neutral and non-polar, at codon 168 of the STX1B protein (p.Leu168Pro). This variant is not present in population databases (gnomAD no frequency). This variant has not been reported in the literature in individuals affected with STX1B-related conditions. ClinVar contains an entry for this variant (Variation ID: 452034). Invitae Evidence Modeling of protein sequence and biophysical properties (such as structural, functional, and spatial information, amino acid conservation, physicochemical variation, residue mobility, and thermodynamic stability) indicates that this missense variant is expected to disrupt STX1B protein function with a positive predictive value of 80%. In summary, the available evidence is currently insufficient to determine the role of this variant in disease. Therefore, it has been classified as a Variant of Uncertain Significance.

GeneDx
Classification: Uncertain significance. Last evaluated: 2019-05-24. Review status: criteria provided, single submitter. Criteria: GeneDx Variant Classification Process June 2021. Collection method: clinical testing. Allele origin: germline. Affected: yes.
Comment: Not observed in large population cohorts (Lek et al., 2016); In silico analyses, including protein predictors and evolutionary conservation, support a deleterious effect; Has not been previously published as pathogenic or benign to our knowledge